The following is an entry in ClinVar:

NM_001267550.2(TTN):c.40767G>A (p.Pro13589=)

Gene: TTN (titin; minus strand). Cytogenetic location: 2q31.2.
Variant type: single nucleotide variant.
Coding change: c.40767G>A on transcript NM_001267550.2 (MANE Select); coding-DNA position 40767, G replaced by A.
Protein change: p.Pro13589=; no amino-acid change (proline 13589 retained).
Molecular consequence: synonymous variant.
Genome position (GRCh38, 1-based): chr2:178,640,067, C>T on the plus strand (G>A on the coding strand, the complement: TTN is on the minus strand). VCF-style: chr2-178640067-C-T. GRCh37 (hg19) VCF-style: chr2-179504794-C-T.
Other names: c.35844G>A, p.Pro11948= (NM_001256850.1); c.13572G>A, p.Pro4524= (NM_003319.4); c.33063G>A, p.Pro11021= (NM_133378.4); c.13947G>A, p.Pro4649= (NM_133432.3); c.14148G>A, p.Pro4716= (NM_133437.4).
Identifiers: ClinVar variation 1088766 (VCV001088766.12), dbSNP rs533071976, ClinGen allele CA1996391.
Genomic context (GRCh38, chr2:178,640,067, plus strand): 5'-AGAAAGAATATGCTGTTGACATTGAGGATAAGCTTGCTCACCTGCTTCGGGCTTTGGTTT[C>T]GGTTCAGGTGCAGGGAGAGGTATTGCTGGCTTGATTTCAGGCACTGAAATAATTTAGAGT-3'
Protein context (NP_001254479.2, residues 13579-13599): KPAIPLPAPE[Pro13589=]KPKPEAEVKT

ClinVar aggregate classification (germline): Likely benign. Review status: criteria provided, multiple submitters, no conflicts (2 of 4 stars). 3 submissions from 3 submitters: Likely benign (3). Last evaluated 2026-09-01.

Conditions:
Cardiovascular phenotype. Identifiers: MedGen CN230736.
Dilated cardiomyopathy 1G (CMD1G). Identifiers: Orphanet 154, MedGen C1858763, MONDO:0011400, OMIM 604145.
Autosomal recessive limb-girdle muscular dystrophy type 2J (LGMDR10). Also called: Limb-girdle muscular dystrophy, type 2J; MUSCULAR DYSTROPHY, LIMB-GIRDLE, AUTOSOMAL RECESSIVE 10. Identifiers: Orphanet 140922, MedGen C1837342, MONDO:0012127, OMIM 608807.

Allele frequency attached by ClinVar (database versions not stated): ExAC 0.00001; gnomAD 0.00001 and 0.00002; gnomAD exomes 0.00001; TOPMed 0.00001; 1000 Genomes Project 30x 0.00016; 1000 Genomes Project 0.00020.
gnomAD v4.1: 22 of 1,612,010 alleles (0.0014%); highest among the groups gnomAD compares: South Asian, 0.0055%; no homozygotes.

Submissions (3):

CeGaT Center for Human Genetics Tuebingen
Classification: Likely benign. Last evaluated: 2026-09-01. Review status: criteria provided, single submitter. Criteria: CeGaT Center For Human Genetics Tuebingen Variant Classification Criteria Version 2. Collection method: clinical testing. Allele origin: germline. Affected: yes. Observed: 1 variant allele.
Comment: TTN: BP4, BP7

Labcorp Genetics (formerly Invitae), Labcorp
Classification: Likely benign for Dilated cardiomyopathy 1G; Autosomal recessive limb-girdle muscular dystrophy type 2J. Last evaluated: 2026-01-12. Review status: criteria provided, single submitter. Criteria: Invitae Variant Classification Sherloc (09022015). Collection method: clinical testing. Allele origin: germline.

Ambry Genetics
Classification: Likely benign for Cardiovascular phenotype. Last evaluated: 2020-04-19. Review status: criteria provided, single submitter. Criteria: Ambry Variant Classification Scheme 2023. Collection method: clinical testing. Allele origin: germline.